The following is an entry in ClinVar:

NC_000001.11:g.25812791A>G

Gene: SELENON (selenoprotein N; plus strand). Cytogenetic location: 1p36.11.
Variant type: single nucleotide variant.
Genome position: GRCh38 VCF-style: chr1-25812791-A-G. GRCh37 (hg19) VCF-style: chr1-26139282-A-G.
Other names: c.1386A>G (NM_020451.3); c.1284A>G (NM_206926.2).
Identifiers: ClinVar variation 573142 (VCV000573142.11), dbSNP rs1557433091, ClinGen allele CA339117889.

ClinVar aggregate classification (germline): Uncertain significance (1 of 4 stars; one submission).

Conditions:
Eichsfeld type congenital muscular dystrophy (CMYO3). Also called: MYOPATHY, SEPN1-RELATED; Rigid spine muscular dystrophy 1; SELENON-related myopathy; Congenital myopathy 3 with rigid spine. Identifiers: MedGen C0410180, MONDO:0100100, OMIM 602771.

Submission:

Labcorp Genetics (formerly Invitae), Labcorp
Classification: Uncertain significance for Eichsfeld type congenital muscular dystrophy. Last evaluated: 2019-07-30. Review status: criteria provided, single submitter. Criteria: Invitae Variant Classification Sherloc (09022015). Collection method: clinical testing. Allele origin: germline.
Comment: Different missense substitutions at this codon (p.Sec462Gly and p.Sec462Arg) have been reported in individuals affected with SELENON-related myopathy (PMID: 12192640, 27863379). In summary, the available evidence is currently insufficient to determine the role of this variant in disease. Therefore, it has been classified as a Variant of Uncertain Significance. Algorithms developed to predict the effect of sequence changes on RNA splicing suggest that this variant may disrupt the consensus splice site, but this prediction has not been confirmed by published transcriptional studies. Algorithms developed to predict the effect of missense changes on protein structure and function are not available for this particular variant. This variant has been observed to segregate with clinical features of SELENON-related myopathy in a family (Invitae). ClinVar contains an entry for this variant (Variation ID: 573142). This variant is not present in population databases (ExAC no frequency). This sequence change replaces selenocysteine with tryptophan at codon 462 of the SELENON protein (p.Sec462Trp). Selenocysteine is a non-canonical amino acid residue that is encoded by a UGA codon and incorporated into selenoproteins such as SEPN1 at highly conserved positions via the selenocysteine insertion sequence (SECIS) (PMID: 21131290, 19285539, 27863379).

Literature cited by the submitters: PubMed 12192640; PubMed 27863379; PubMed 21131290; PubMed 19285539.